The following is an entry in ClinVar:

ClinVar aggregate classification (germline): Uncertain significance. Review status: criteria provided, multiple submitters, no conflicts (2 of 4 stars). 2 submissions from 2 submitters: Uncertain significance (2). Last evaluated 2023-05-13.

Conditions:
RYR3-related disorder. Also called: RYR3-related condition.
Epileptic encephalopathy. Identifiers: MedGen C0543888, HP:0200134.

Allele frequency attached by ClinVar (database versions not stated): gnomAD exomes below 0.00001; gnomAD 0.00001; TOPMed 0.00001.
gnomAD v4.1: 5 of 1,605,692 alleles (0.00031%); highest among the groups gnomAD compares: African/African-American, 0.0067%; no homozygotes.

Submissions (2):

PreventionGenetics, part of Exact Sciences
Classification: Uncertain significance for RYR3-related condition. Last evaluated: 2023-05-13. Review status: criteria provided, single submitter. Criteria: ACMG Guidelines, 2015. Collection method: clinical testing. Allele origin: germline.
Comment: The RYR3 c.8496A>C variant is predicted to result in the amino acid substitution p.Gln2832His. To our knowledge, this variant has not been reported in the literature or in a large population database, indicating this variant is rare. At this time, the clinical significance of this variant is uncertain due to the absence of conclusive functional and genetic evidence.

Labcorp Genetics (formerly Invitae), Labcorp
Classification: Uncertain significance for Epileptic encephalopathy. Last evaluated: 2018-03-10. Review status: criteria provided, single submitter. Criteria: Invitae Variant Classification Sherloc (09022015). Collection method: clinical testing. Allele origin: germline.
Comment: This variant has not been reported in the literature in individuals with RYR3-related disease. This variant is not present in population databases (ExAC no frequency). This sequence change replaces glutamine with histidine at codon 2832 of the RYR3 protein (p.Gln2832His). The glutamine residue is highly conserved and there is a small physicochemical difference between glutamine and histidine. Algorithms developed to predict the effect of missense changes on protein structure and function do not agree on the potential impact of this missense change (SIFT: "Deleterious"; PolyPhen-2: "Benign"; Align-GVGD: "Class C0"). In summary, the available evidence is currently insufficient to determine the role of this variant in disease. Therefore, it has been classified as a Variant of Uncertain Significance.

NM_001036.6(RYR3):c.8496A>C (p.Gln2832His)

Gene: RYR3 (ryanodine receptor 3; plus strand). Cytogenetic location: 15q14.
Variant type: single nucleotide variant.
Coding change: c.8496A>C on transcript NM_001036.6 (MANE Select); coding-DNA position 8496, A replaced by C.
Protein change: p.Gln2832His; replaces glutamine 2832 with histidine.
Molecular consequence: missense variant.
Genome position (GRCh38, 1-based): chr15:33,755,161, A>C. VCF-style: chr15-33755161-A-C. GRCh37 (hg19) VCF-style: chr15-34047362-A-C.
Other names: c.8496A>C, p.Gln2832His (NM_001243996.4); short protein forms Q2832H.
Identifiers: ClinVar variation 572108 (VCV000572108.9), dbSNP rs1481136779, ClinGen allele CA391585310.
Genomic context (GRCh38, chr15:33,755,161, plus strand): 5'-GGAGAAGAGGTTTGCCTATAAGTTCTTGAAGAAGATCCTGAAATACGTTGATTCTGCTCA[A>C]GAATTTATTGCCCATTTAGGTAAGTATCATCATGAAATAACCCAAAAGAATTCAATATTC-3'
Protein context (NP_001027.3, residues 2822-2842): KKILKYVDSA[Gln2832His]EFIAHLEAIV